The following is an entry in ClinVar:

ClinVar aggregate classification (germline): Likely pathogenic (1 of 4 stars; one submission).

Conditions:
Immunodeficiency 31B. Also called: IMMUNODEFICIENCY 31B, MYCOBACTERIAL AND VIRAL INFECTIONS, AUTOSOMAL RECESSIVE; STAT1 DEFICIENCY, AUTOSOMAL RECESSIVE. Identifiers: Orphanet 391311, MedGen C3151088, MONDO:0013427, OMIM 613796.

Submission:

Victorian Clinical Genetics Services, Murdoch Childrens Research Institute
Classification: Likely pathogenic for Immunodeficiency 31B. Last evaluated: 2025-09-08. Review status: criteria provided, single submitter. Criteria: ACMG Guidelines, 2015. Collection method: clinical testing. Allele origin: germline. Affected: yes.
Comment: This variant is classified as Likely pathogenic. Evidence in support of pathogenic classification: Canonical splice site variant without proven consequence on splicing (no functional evidence available); Variant is absent from gnomAD (v2, v3 and v4); Another splice site variant comparable to the one identified in this case has limited previous evidence for pathogenicity. The c.372G>C variant has been reported in a homozgous state in an individual with STAT1 deficiency. RNA sequencing and Real-Time PCR showed this variant results in exon skipping (PMID:21772053); Abnormal splicing is predicted by in silico tool and affected nucleotide is highly conserved. Additional information: This variant is homozygous; This gene is associated with both recessive and dominant disease (OMIM); This variant has no previous evidence of pathogenicity; No published evidence of segregation with disease has been identified for this variant; No published functional evidence has been identified for this variant; Dominant negative, loss of function, and gain of function are known mechanisms of disease in this gene. LoF variants are associated with autosomal recessive immunodeficiency 31B, mycobacterial and viral infections (MIM#613796). GoF and dominant negative variants are associated with autosomal dominant immunodeficiency 31C, chronic mucocutaneous candidiasis (MIM#614162), and immunodeficiency 31A, mycobacteriosis (MIM#614892), respectively (PMIDs: 35456913, 33839590).

Literature cited by the submitters: PubMed 35456913; PubMed 21772053; PubMed 33839590.

NM_007315.4(STAT1):c.372+2T>C

Gene: STAT1 (signal transducer and activator of transcription 1; minus strand). Cytogenetic location: 2q32.2.
Variant type: single nucleotide variant.
Coding change: c.372+2T>C on transcript NM_007315.4 (MANE Select); the canonical splice donor site of the intron after coding-DNA position 372, T replaced by C.
Molecular consequence: splice donor variant.
Genome position (GRCh38, 1-based): chr2:191,007,561, A>G on the plus strand (T>C on the coding strand, the complement: STAT1 is on the minus strand). VCF-style: chr2-191007561-A-G. GRCh37 (hg19) VCF-style: chr2-191872287-A-G.
Other names: c.372+2T>C (NM_001437284.1, NM_001384890.1, NM_001384883.1 and 8 more transcripts); c.408+2T>C (NM_001384891.1); c.378+2T>C (NM_001384884.1, NM_001384881.1).
Identifiers: ClinVar variation 4531805 (VCV004531805.1).